The following is an entry in ClinVar:

NM_024757.5(EHMT1):c.401C>T (p.Ala134Val)

Gene: EHMT1 (euchromatic histone lysine methyltransferase 1; plus strand). Cytogenetic location: 9q34.3.
Variant type: single nucleotide variant.
Coding change: c.401C>T on transcript NM_024757.5 (MANE Select); coding-DNA position 401, C replaced by T.
Protein change: p.Ala134Val; replaces alanine 134 with valine.
Molecular consequence: missense variant.
Genome position (GRCh38, 1-based): chr9:137,716,941, C>T. VCF-style: chr9-137716941-C-T. GRCh37 (hg19) VCF-style: chr9-140611393-C-T.
Other names: c.401C>T, p.Ala134Val (NM_001145527.2, NM_001354263.2, NM_001354611.2); c.308C>T, p.Ala103Val (NM_001354259.2, NM_001354612.2); short protein forms A103V, A134V.
Identifiers: ClinVar variation 2442427 (VCV002442427.4), dbSNP rs372415033, ClinGen allele CA5374297.

ClinVar aggregate classification (germline): Uncertain significance. Review status: criteria provided, multiple submitters, no conflicts (2 of 4 stars). 2 submissions from 2 submitters: Uncertain significance (2). Last evaluated 2023-07-13.

Conditions:
Kleefstra syndrome 1 (KLEFS1). Identifiers: Orphanet 261494, MedGen C0795833, MONDO:0027407, OMIM 610253.

Allele frequency attached by ClinVar (database versions not stated): gnomAD exomes 0.00001; TOPMed 0.00001; ExAC 0.00001; gnomAD 0.00001; ESP Exome Variant Server 0.00008.
gnomAD v4.1: 19 of 1,612,834 alleles (0.0012%); highest among the groups gnomAD compares: Non-Finnish European, 0.0015%; no homozygotes.

Submissions (2):

Labcorp Genetics (formerly Invitae), Labcorp
Classification: Uncertain significance for Kleefstra syndrome 1. Last evaluated: 2023-07-13. Review status: criteria provided, single submitter. Criteria: Invitae Variant Classification Sherloc (09022015). Collection method: clinical testing. Allele origin: germline.
Comment: This sequence change replaces alanine, which is neutral and non-polar, with valine, which is neutral and non-polar, at codon 134 of the EHMT1 protein (p.Ala134Val). This variant is present in population databases (rs372415033, gnomAD 0.0009%). This variant has not been reported in the literature in individuals affected with EHMT1-related conditions. ClinVar contains an entry for this variant (Variation ID: 2442427). An algorithm developed to predict the effect of missense changes on protein structure and function (PolyPhen-2) suggests that this variant is likely to be tolerated. Algorithms developed to predict the effect of sequence changes on RNA splicing suggest that this variant may create or strengthen a splice site. In summary, the available evidence is currently insufficient to determine the role of this variant in disease. Therefore, it has been classified as a Variant of Uncertain Significance.

GeneDx
Classification: Uncertain significance. Last evaluated: 2023-02-24. Review status: criteria provided, single submitter. Criteria: GeneDx Variant Classification Process June 2021. Collection method: clinical testing. Allele origin: germline. Affected: yes.
Comment: Has not been previously published as pathogenic or benign to our knowledge; In silico analysis supports that this missense variant does not alter protein structure/function; In silico analysis supports a deleterious effect on splicing; Not observed at significant frequency in large population cohorts (gnomAD)